The following is an entry in ClinVar:

ClinVar aggregate classification (germline): Uncertain significance (1 of 4 stars; one submission).

Conditions:
Hereditary cancer-predisposing syndrome. Also called: Neoplastic Syndromes, Hereditary; Tumor predisposition; Hereditary Cancer Syndrome; Hereditary neoplastic syndrome. Identifiers: Orphanet 140162, MedGen C0027672, MeSH D009386, MONDO:0015356.

Submission:

Ambry Genetics
Classification: Uncertain significance for Hereditary cancer-predisposing syndrome. Last evaluated: 2025-10-01. Review status: criteria provided, single submitter. Criteria: Ambry Variant Classification Scheme 2023. Collection method: clinical testing. Allele origin: germline.
Comment: The p.K912Q variant (also known as c.2734A>C), located in coding exon 16 of the ALK gene, results from an A to C substitution at nucleotide position 2734. The lysine at codon 912 is replaced by glutamine, an amino acid with similar properties. This amino acid position is conserved. In addition, the in silico prediction for this alteration is inconclusive. Based on the available evidence, the clinical significance of this variant remains unclear.

NM_004304.5(ALK):c.2734A>C (p.Lys912Gln)

Gene: ALK (ALK receptor tyrosine kinase; minus strand). Cytogenetic location: 2p23.2.
Variant type: single nucleotide variant.
Coding change: c.2734A>C on transcript NM_004304.5 (MANE Select); coding-DNA position 2734, A replaced by C.
Protein change: p.Lys912Gln; replaces lysine 912 with glutamine.
Molecular consequence: missense variant.
Genome position (GRCh38, 1-based): chr2:29,228,965, T>G on the plus strand (A>C on the coding strand, the complement: ALK is on the minus strand). VCF-style: chr2-29228965-T-G. GRCh37 (hg19) VCF-style: chr2-29451831-T-G.
Other names: short protein forms K912Q.
Identifiers: ClinVar variation 4673110 (VCV004673110.1).
Genomic context (GRCh38, chr2:29,228,965, plus strand): 5'-CACCTGAGGAGCACCCCCCTCCACCCCCTCCGAAACCCCCTCTTGTCTCCCACCCCCACT[T>G]CTTCATGGCCTGGGGGCAGGAATGTCCTCCGGTGGCACCCTCCTGCAAAGATTTTCCGGC-3'
Protein context (NP_004295.2, residues 902-922): GGHSCPQAMK[Lys912Gln]WGWETRGGFG